The following is an entry in ClinVar:

NM_053025.4(MYLK):c.2463-1G>A

Gene: MYLK (myosin light chain kinase; minus strand). Cytogenetic location: 3q21.1.
Variant type: single nucleotide variant.
Coding change: c.2463-1G>A on transcript NM_053025.4 (MANE Select); the canonical splice acceptor site of the intron before coding-DNA position 2463, G replaced by A.
Molecular consequence: splice acceptor variant.
Genome position (GRCh38, 1-based): chr3:123,701,006, C>T on the plus strand (G>A on the coding strand, the complement: MYLK is on the minus strand). VCF-style: chr3-123701006-C-T. GRCh37 (hg19) VCF-style: chr3-123419853-C-T.
Other names: c.1935-1G>A (NM_001321309.2); c.2256-1G>A (NM_053028.4, NM_053026.4); c.2463-1G>A (NM_053027.4).
Identifiers: ClinVar variation 3693097 (VCV003693097.3).

ClinVar aggregate classification (germline): Uncertain significance. Review status: criteria provided, multiple submitters, no conflicts (2 of 4 stars). 2 submissions from 2 submitters: Uncertain significance (2). Last evaluated 2025-01-31.

Conditions:
Aortic aneurysm, familial thoracic 7 (AAT7). Also called: AORTIC DISSECTION, FAMILIAL, WITH OR WITHOUT AORTIC ANEURYSM. Identifiers: MedGen C3151077, MONDO:0013418, OMIM 613780.

gnomAD v4.1: 2 of 1,603,162 alleles (0.00012%); highest among the groups gnomAD compares: Non-Finnish European, 0.00017%; no homozygotes.

Submissions (2):

GeneDx
Classification: Uncertain significance. Last evaluated: 2025-01-31. Review status: criteria provided, single submitter. Criteria: GeneDx Variant Classification Process June 2021. Collection method: clinical testing. Allele origin: germline. Affected: yes.
Comment: Has not been previously published as pathogenic or benign to our knowledge; Not observed at significant frequency in large population cohorts (gnomAD); Variant predicted to result in protein truncation or nonsense mediated decay; Not located in the smooth muscle isoform, where the majority of loss-of-function variants associated with autosomal dominant TAAD and autosomal recessive MMIHS have been reported (PMID: 24077912, 21055718); This variant is associated with the following publications: (PMID: 24077912, 21055718)

Labcorp Genetics (formerly Invitae), Labcorp
Classification: Uncertain significance for Aortic aneurysm, familial thoracic 7. Last evaluated: 2025-01-07. Review status: criteria provided, single submitter. Criteria: Invitae Variant Classification Sherloc (09022015). Collection method: clinical testing. Allele origin: germline.
Comment: This sequence change affects an acceptor splice site in intron 17 of the MYLK gene. This variant occurs in the long isoform of MYLK (PMID: 21055718). The current clinical and genetic evidence is not sufficient to establish whether loss-of-function variants in the long isoform of MYLK cause disease. This variant is not present in population databases (gnomAD no frequency). This variant has not been reported in the literature in individuals affected with MYLK-related conditions. Algorithms developed to predict the effect of sequence changes on RNA splicing suggest that this variant may disrupt the consensus splice site. In summary, the available evidence is currently insufficient to determine the role of this variant in disease. Therefore, it has been classified as a Variant of Uncertain Significance.

Literature cited by the submitters: PubMed 21055718 (cited by Labcorp Genetics (formerly Invitae), Labcorp).